The following is an entry in ClinVar:

NM_015102.5(NPHP4):c.3161G>A (p.Arg1054His)

Gene: NPHP4 (nephrocystin 4; minus strand). Cytogenetic location: 1p36.31.
Variant type: single nucleotide variant.
Coding change: c.3161G>A on transcript NM_015102.5 (MANE Select); coding-DNA position 3161, G replaced by A.
Protein change: p.Arg1054His; replaces arginine 1054 with histidine.
Molecular consequence: missense variant. On other transcripts: non-coding transcript variant (1).
Genome position (GRCh38, 1-based): chr1:5,874,541, C>T on the plus strand (G>A on the coding strand, the complement: NPHP4 is on the minus strand). VCF-style: chr1-5874541-C-T. GRCh37 (hg19) VCF-style: chr1-5934601-C-T.
Other names: c.1622G>A, p.Arg541His (NM_001291593.2); c.1625G>A, p.Arg542His (NM_001291594.2); c.3161G>A (NM_015102.3); short protein forms R1054H, R541H, R542H.
Identifiers: ClinVar variation 578586 (VCV000578586.18), dbSNP rs369950850, ClinGen allele CA553775.

ClinVar aggregate classification (germline): Uncertain significance. Review status: criteria provided, multiple submitters, no conflicts (2 of 4 stars). 7 submissions from 7 submitters: Uncertain significance (7). Last evaluated 2026-09-14.

Conditions:
Inborn genetic diseases. Identifiers: MedGen C0950123, MeSH D030342.
NPHP4-related disorder. Also called: NPHP4-related condition; NPHP4-related disorders. Identifiers: MedGen CN239384.
Nephronophthisis. Also called: Juvenile Nephronophthisis. Identifiers: Orphanet 655, MedGen C0687120, MONDO:0019005, HP:0000090.
Nephronophthisis 4 (NPHP4). Also called: NEPHRONOPHTHISIS 4, JUVENILE. Identifiers: Orphanet 655, MedGen C1847013, MONDO:0011752, OMIM 606966.
Senior-Loken syndrome 4 (SLSN4). Identifiers: Orphanet 3156, MedGen C1846979, MONDO:0011756, OMIM 606996.

Allele frequency attached by ClinVar (database versions not stated): ESP Exome Variant Server 0.00032; 1000 Genomes Project 30x 0.00047; ExAC 0.00050; gnomAD exomes 0.00012 and 0.00026; TOPMed 0.00031; gnomAD 0.00034 and 0.00036; 1000 Genomes Project 0.00040.
gnomAD v4.1: 232 of 1,599,360 alleles (0.015%); highest among the groups gnomAD compares: African/African-American, 0.064%; 1 homozygote.

Submissions (7):

PreventionGenetics, part of Exact Sciences
Classification: Uncertain significance for NPHP4-related condition. Last evaluated: 2026-09-14. Review status: criteria provided, single submitter. Criteria: ACMG Guidelines, 2015. Collection method: clinical testing. Allele origin: germline.
Comment: The NPHP4 c.3161G>A variant is predicted to result in the amino acid substitution p.Arg1054His. To our knowledge, this variant has not been reported in the literature. This variant is reported in 0.075% of alleles in individuals of African descent in gnomAD, which may be too frequent to be a primary cause of disease. Although we suspect that this variant may be benign, at this time, the clinical significance of this variant is uncertain due to the absence of conclusive functional and genetic evidence.

OLLIN Analises Genomicas, OLLIN
Classification: Uncertain significance for Senior-Loken syndrome 4. Last evaluated: 2026-08-06. Review status: criteria provided, single submitter. Criteria: ACMG Guidelines 2015 PMID 25741868. Collection method: clinical testing. Allele origin: germline. Inheritance: Autosomal recessive inheritance.
Comment: This missense variant, located in exon 22 (of 30), has been reported in ClinVar (accession VCV000578586.16) and in gnomAD with an allele frequency of 0.015%. However, to our knowledge, it has not been reported in the scientific literature. In silico analysis predicts that this variant has a deleterious effect. According to the currently available evidence, this variant has been classified as uncertain significance (PP3).

Labcorp Genetics (formerly Invitae), Labcorp
Classification: Uncertain significance for Nephronophthisis. Last evaluated: 2025-12-19. Review status: criteria provided, single submitter. Criteria: Invitae Variant Classification Sherloc (09022015). Collection method: clinical testing. Allele origin: germline.
Comment: This sequence change replaces arginine, which is basic and polar, with histidine, which is basic and polar, at codon 1054 of the NPHP4 protein (p.Arg1054His). This variant is present in population databases (rs369950850, gnomAD 0.07%). This variant has not been reported in the literature in individuals affected with NPHP4-related conditions. ClinVar contains an entry for this variant (Variation ID: 578586). Invitae Evidence Modeling of protein sequence and biophysical properties (such as structural, functional, and spatial information, amino acid conservation, physicochemical variation, residue mobility, and thermodynamic stability) indicates that this missense variant is expected to disrupt NPHP4 protein function with a positive predictive value of 80%. In summary, the available evidence is currently insufficient to determine the role of this variant in disease. Therefore, it has been classified as a Variant of Uncertain Significance.

Ambry Genetics
Classification: Uncertain significance for Inborn genetic diseases. Last evaluated: 2024-09-27. Review status: criteria provided, single submitter. Criteria: Ambry Variant Classification Scheme 2023. Collection method: clinical testing. Allele origin: germline.

Blueprint Genetics
Classification: Uncertain significance. Last evaluated: 2024-08-23. Review status: criteria provided, single submitter. Criteria: ACMG Guidelines, 2015. Collection method: clinical testing. Allele origin: germline.

Fulgent Genetics
Classification: Uncertain significance for Nephronophthisis 4; Senior-Loken syndrome 4. Last evaluated: 2024-01-20. Review status: criteria provided, single submitter. Criteria: ACMG Guidelines, 2015. Collection method: clinical testing. Allele origin: germline.

Eurofins Ntd Llc (ga)
Classification: Uncertain significance. Last evaluated: 2017-08-22. Review status: criteria provided, single submitter. Criteria: EGL Classification Definitions 2015. Collection method: clinical testing. Allele origin: germline. Observed: 1 variant allele, 1 heterozygote.